The following is an entry in ClinVar:

ClinVar aggregate classification (germline): Conflicting classifications of pathogenicity. Review status: criteria provided, conflicting classifications (1 of 4 stars). 3 submissions from 3 submitters: Uncertain significance (2); Likely benign (1). Last evaluated 2023-03-23.

Conditions:
Hereditary cancer-predisposing syndrome. Also called: Neoplastic Syndromes, Hereditary; Tumor predisposition; Hereditary neoplastic syndrome; Hereditary Cancer Syndrome. Identifiers: Orphanet 140162, MedGen C0027672, MeSH D009386, MONDO:0015356.

Submissions (3):

University of Washington Department of Laboratory Medicine, University of Washington
Classification: Likely benign for Hereditary cancer-predisposing syndrome. Last evaluated: 2023-03-23. Review status: criteria provided, single submitter. Criteria: Dines et al. (Genet Med. 2020). Collection method: curation. Allele origin: germline.
Comment: Missense variant in a coldspot region where missense variants are very unlikely to be pathogenic (PMID:31911673).

BRCA1 coldspot (exon 11 using historical exon numbering). Reclassification based on statistical prior probability

Ambry Genetics
Classification: Uncertain significance for Hereditary cancer-predisposing syndrome. Last evaluated: 2021-09-13. Review status: criteria provided, single submitter. Criteria: Ambry Variant Classification Scheme 2023. Collection method: clinical testing. Allele origin: germline.
Comment: The p.Q1111E variant (also known as c.3331C>G), located in coding exon 9 of the BRCA1 gene, results from a C to G substitution at nucleotide position 3331. The glutamine at codon 1111 is replaced by glutamic acid, an amino acid with highly similar properties. This amino acid position is not well conserved in available vertebrate species. In addition, the in silico prediction for this alteration is inconclusive. Since supporting evidence is limited at this time, the clinical significance of this alteration remains unclear.

Color Diagnostics, LLC DBA Color Health
Classification: Uncertain significance for Hereditary cancer-predisposing syndrome. Last evaluated: 2019-05-22. Review status: criteria provided, single submitter. Criteria: ACMG Guidelines, 2015. Collection method: clinical testing. Allele origin: germline.

NM_007294.4(BRCA1):c.3331C>G (p.Gln1111Glu)

Genes: BRCA1 (BRCA1 DNA repair associated; minus strand), LOC126862571 (BRD4-independent group 4 enhancer GRCh37_chr17:41243136-41244335; plus strand). Cytogenetic location: 17q21.31.
Variant type: single nucleotide variant.
Coding change: c.3331C>G on transcript NM_007294.4 (MANE Select); coding-DNA position 3331, C replaced by G.
Protein change: p.Gln1111Glu; replaces glutamine 1111 with glutamic acid.
Molecular consequence: missense variant. On other transcripts: intron variant (137).
Genome position (GRCh38, 1-based): chr17:43,092,200, G>C on the plus strand (C>G on the coding strand, the complement: BRCA1 is on the minus strand). VCF-style: chr17-43092200-G-C. GRCh37 (hg19) VCF-style: chr17-41244217-G-C.
Other names: c.3328C>G, p.Gln1110Glu (NM_001407612.1, NM_001407613.1, NM_001407614.1 and 22 more transcripts); c.3208C>G, p.Gln1070Glu (NM_001407937.1, NM_001407938.1, NM_001407939.1 and 19 more transcripts); c.3205C>G, p.Gln1069Glu (NM_001407940.1, NM_001407941.1, NM_001407649.1 and 11 more transcripts); c.3190C>G, p.Gln1064Glu (NM_001407942.1, NM_001407692.1, NM_001407694.1 and 29 more transcripts); c.3331C>G, p.Gln1111Glu (NM_001407616.1, NM_001407617.1, NM_001407581.1 and 30 more transcripts); c.3118C>G, p.Gln1040Glu (NM_001407571.1, NM_001407853.1, NM_001407894.1 and 9 more transcripts); c.3322C>G, p.Gln1108Glu (NM_001407646.1, NM_001407647.1); c.3253C>G, p.Gln1085Glu (NM_001407653.1, NM_001407654.1, NM_001407655.1 and 4 more transcripts); and 41 more; short protein forms Q1111E, Q1064E, Q1040E, Q1041E, Q1044E, Q1063E, Q1069E, Q943E.
Identifiers: ClinVar variation 823615 (VCV000823615.9), dbSNP rs80357089, ClinGen allele CA10595318.